The following is an entry in ClinVar:

NM_080680.3(COL11A2):c.3528+5G>T

Gene: COL11A2 (collagen type XI alpha 2 chain; minus strand). Cytogenetic location: 6p21.32.
Variant type: single nucleotide variant.
Coding change: c.3528+5G>T on transcript NM_080680.3 (MANE Select); 5 bases into the intron after coding-DNA position 3528, G replaced by T.
Molecular consequence: intron variant.
Genome position (GRCh38, 1-based): chr6:33,170,552, C>A on the plus strand (G>T on the coding strand, the complement: COL11A2 is on the minus strand). VCF-style: chr6-33170552-C-A. GRCh37 (hg19) VCF-style: chr6-33138329-C-A.
Other names: c.3207+5G>T (NM_080679.3); c.3270+5G>T (NM_080681.3).
Identifiers: ClinVar variation 2571249 (VCV002571249.27), dbSNP rs2534781285, ClinGen allele CA2580614861.

ClinVar aggregate classification (germline): Uncertain significance (1 of 4 stars; one submission).

Submission:

CeGaT Center for Human Genetics Tuebingen
Classification: Uncertain significance. Last evaluated: 2023-06-01. Review status: criteria provided, single submitter. Criteria: CeGaT Center For Human Genetics Tuebingen Variant Classification Criteria Version 2. Collection method: clinical testing. Allele origin: germline. Affected: yes. Observed: 1 variant allele.
Comment: COL11A2: PM2, PP3